The following is an entry in ClinVar:

ClinVar aggregate classification (germline): Uncertain significance (1 of 4 stars; one submission).

Conditions:
Atrioventricular septal defect 5 (AVSD5). Identifiers: MedGen C3280939, MONDO:0013769, OMIM 614474.

Submission:

Labcorp Genetics (formerly Invitae), Labcorp
Classification: Uncertain significance for Atrioventricular septal defect 5. Last evaluated: 2025-01-07. Review status: criteria provided, single submitter. Criteria: Invitae Variant Classification Sherloc (09022015). Collection method: clinical testing. Allele origin: germline.
Comment: This sequence change replaces alanine, which is neutral and non-polar, with glycine, which is neutral and non-polar, at codon 216 of the GATA6 protein (p.Ala216Gly). This variant is not present in population databases (gnomAD no frequency). This variant has not been reported in the literature in individuals affected with GATA6-related conditions. An algorithm developed to predict the effect of missense changes on protein structure and function (PolyPhen-2) suggests that this variant is likely to be tolerated. In summary, the available evidence is currently insufficient to determine the role of this variant in disease. Therefore, it has been classified as a Variant of Uncertain Significance.

NM_005257.6(GATA6):c.647C>G (p.Ala216Gly)

Gene: GATA6 (GATA binding protein 6; plus strand). Cytogenetic location: 18q11.2.
Variant type: single nucleotide variant.
Coding change: c.647C>G on transcript NM_005257.6 (MANE Select); coding-DNA position 647, C replaced by G.
Protein change: p.Ala216Gly; replaces alanine 216 with glycine.
Molecular consequence: missense variant.
Genome position (GRCh38, 1-based): chr18:22,171,791, C>G. VCF-style: chr18-22171791-C-G. GRCh37 (hg19) VCF-style: chr18-19751752-C-G.
Other names: short protein forms A216G.
Identifiers: ClinVar variation 3689081 (VCV003689081.2).
Genomic context (GRCh38, chr18:22,171,791, plus strand): 5'-CCATGCTGCCCGGCCTACCGTACCACCTGCAGGGGTCGGGCAGTGGGCCAGCCAACCACG[C>G]GGGCGGCGCGGGCGCGCACCCCGGCTGGCCTCAGGCCTCGGCCGACAGCCCTCCATACGG-3'
Protein context (NP_005248.2, residues 206-226): QGSGSGPANH[Ala216Gly]GGAGAHPGWP